The following is an entry in ClinVar:

NM_000059.4(BRCA2):c.7550C>G (p.Thr2517Ser)

Gene: BRCA2 (BRCA2 DNA repair associated; plus strand). Cytogenetic location: 13q13.1.
Variant type: single nucleotide variant.
Coding change: c.7550C>G on transcript NM_000059.4 (MANE Select); coding-DNA position 7550, C replaced by G.
Protein change: p.Thr2517Ser; replaces threonine 2517 with serine.
Molecular consequence: missense variant.
Genome position (GRCh38, 1-based): chr13:32,356,542, C>G. VCF-style: chr13-32356542-C-G. GRCh37 (hg19) VCF-style: chr13-32930679-C-G.
Other names: short protein forms T2517S.
Identifiers: ClinVar variation 630901 (VCV000630901.12), dbSNP rs1555286277, ClinGen allele CA387743689.

ClinVar aggregate classification (germline): Uncertain significance. Review status: criteria provided, multiple submitters, no conflicts (2 of 4 stars). 5 submissions from 5 submitters: Uncertain significance (5). Last evaluated 2025-03-07.

Conditions:
Hereditary breast ovarian cancer syndrome. Also called: Hereditary breast and ovarian cancer; Hereditary breast and ovarian cancer syndrome (HBOC); Breast and ovarian cancer; Hereditary breast and ovarian cancer syndrome; BRCA1- and BRCA2-Associated Hereditary Breast and Ovarian Cancer; Hereditary breast and/or ovarian cancer syndrome. Identifiers: Orphanet 145, MedGen C0677776, MeSH D061325, MONDO:0003582. Disease mechanism: loss of function.
Hereditary cancer-predisposing syndrome. Also called: Tumor predisposition; Neoplastic Syndromes, Hereditary; Hereditary neoplastic syndrome; Hereditary Cancer Syndrome. Identifiers: Orphanet 140162, MedGen C0027672, MeSH D009386, MONDO:0015356.
Familial cancer of breast. Also called: hereditary breast carcinoma; BREAST CANCER, FAMILIAL; Hereditary breast cancer. Identifiers: Orphanet 227535, MedGen C0346153, MONDO:0016419, OMIM 114480. Disease mechanism: loss of function.

Allele frequency attached by ClinVar (database versions not stated): gnomAD exomes below 0.00001; TOPMed below 0.00001.
gnomAD v4.1: 4 of 1,614,226 alleles (0.00025%); highest among the groups gnomAD compares: Non-Finnish European, 0.00034%; no homozygotes.

Submissions (5):

Ambry Genetics
Classification: Uncertain significance for Hereditary cancer-predisposing syndrome. Last evaluated: 2025-03-07. Review status: criteria provided, single submitter. Criteria: Ambry Variant Classification Scheme 2023. Collection method: clinical testing. Allele origin: germline.
Comment: The p.T2517S variant (also known as c.7550C>G), located in coding exon 14 of the BRCA2 gene, results from a C to G substitution at nucleotide position 7550. The threonine at codon 2517 is replaced by serine, an amino acid with similar properties. In one study, this variant was identified in 1/1396 unilateral breast cancer cases and 0/705 bilateral breast cancer cases (Borg A et al. Hum Mutat, 2010 Mar;31:E1200-40). This amino acid position is not well conserved in available vertebrate species. In addition, this alteration is predicted to be tolerated by in silico analysis. Based on the available evidence, the clinical significance of this variant remains unclear.

Color Diagnostics, LLC DBA Color Health
Classification: Uncertain significance for Hereditary cancer-predisposing syndrome. Last evaluated: 2024-07-01. Review status: criteria provided, single submitter. Criteria: ACMG Guidelines, 2015. Collection method: clinical testing. Allele origin: germline.
Comment: This missense variant replaces threonine with serine at codon 2517 of the BRCA2 protein. Computational prediction suggests that this variant may not impact protein structure and function. To our knowledge, functional studies have not been reported for this variant. This variant has been reported in at least one individual affected with breast cancer (PMID: 20104584, 33471991). This variant has been identified in 1/251264 chromosomes in the general population by the Genome Aggregation Database (gnomAD). The available evidence is insufficient to determine the role of this variant in disease conclusively. Therefore, this variant is classified as a Variant of Uncertain Significance.

Labcorp Genetics (formerly Invitae), Labcorp
Classification: Uncertain significance for Hereditary breast ovarian cancer syndrome. Last evaluated: 2024-04-07. Review status: criteria provided, single submitter. Criteria: Invitae Variant Classification Sherloc (09022015). Collection method: clinical testing. Allele origin: germline.
Comment: This sequence change replaces threonine, which is neutral and polar, with serine, which is neutral and polar, at codon 2517 of the BRCA2 protein (p.Thr2517Ser). This variant is not present in population databases (gnomAD no frequency). This missense change has been observed in individual(s) with breast cancer (PMID: 20104584). ClinVar contains an entry for this variant (Variation ID: 630901). Advanced modeling of protein sequence and biophysical properties (such as structural, functional, and spatial information, amino acid conservation, physicochemical variation, residue mobility, and thermodynamic stability) performed at Invitae indicates that this missense variant is not expected to disrupt BRCA2 protein function with a negative predictive value of 95%. In summary, the available evidence is currently insufficient to determine the role of this variant in disease. Therefore, it has been classified as a Variant of Uncertain Significance.

Baylor Genetics
Classification: Uncertain significance for Familial cancer of breast. Last evaluated: 2024-02-16. Review status: criteria provided, single submitter. Criteria: ACMG Guidelines, 2015. Collection method: clinical testing. Allele origin: unknown.

Women's Health and Genetics/Laboratory Corporation of America, LabCorp
Classification: Uncertain significance. Last evaluated: 2017-11-10. Review status: criteria provided, single submitter. Criteria: LabCorp Variant Classification Summary - May 2015. Collection method: clinical testing. Allele origin: germline.
Comment: Variant summary: The BRCA2 c.7550C>G (p.Thr2517Ser) variant involves the alteration of a non-conserved nucleotide that lies within the breast cancer type 2 susceptibility protein, helical domain (InterPro). 4/5 in silico tools predict a benign outcome for this variant. This variant is absent in 245954 control chromosomes (gnomAD). Taken together, this variant is classified as VUS until additional information becomes available.

Literature cited by the submitters: PubMed 20104584 (cited by 4 submitters); PubMed 33471991 (cited by Color Diagnostics, LLC DBA Color Health); PubMed 21520273 (cited by Women's Health and Genetics/Laboratory Corporation of America, LabCorp).